The following is an entry in ClinVar:

ClinVar aggregate classification (germline): Conflicting classifications of pathogenicity. Review status: criteria provided, conflicting classifications (1 of 4 stars). 2 submissions from 2 submitters: Uncertain significance (1); Likely benign (1). Last evaluated 2025-12-29.

gnomAD v4.1: 4 of 1,526,444 alleles (0.00026%); highest among the groups gnomAD compares: African/African-American, 0.0027%; no homozygotes.

Submissions (2):

Labcorp Genetics (formerly Invitae), Labcorp
Classification: Uncertain significance. Last evaluated: 2025-12-29. Review status: criteria provided, single submitter. Criteria: Invitae Variant Classification Sherloc (09022015). Collection method: clinical testing. Allele origin: germline.
Comment: This sequence change falls in intron 9 of the TCF3 gene. It does not directly change the encoded amino acid sequence of the TCF3 protein. It affects a nucleotide within the consensus splice site. This variant is not present in population databases (gnomAD no frequency). This variant has not been reported in the literature in individuals affected with TCF3-related conditions. Variants that disrupt the consensus splice site are a relatively common cause of aberrant splicing (PMID: 17576681, 9536098). Algorithms developed to predict the effect of sequence changes on RNA splicing suggest that this variant is not likely to affect RNA splicing. In summary, the available evidence is currently insufficient to determine the role of this variant in disease. Therefore, it has been classified as a Variant of Uncertain Significance.

Blueprint Genetics
Classification: Likely benign. Last evaluated: 2022-07-15. Review status: criteria provided, single submitter. Criteria: ACMG Guidelines, 2015. Collection method: clinical testing. Allele origin: germline.

Literature cited by the submitters: PubMed 17576681 (cited by Labcorp Genetics (formerly Invitae), Labcorp); PubMed 9536098 (cited by Labcorp Genetics (formerly Invitae), Labcorp).

NM_003200.5(TCF3):c.652+4C>T

Gene: TCF3 (transcription factor 3; minus strand). Cytogenetic location: 19p13.3.
Variant type: single nucleotide variant.
Coding change: c.652+4C>T on transcript NM_003200.5 (MANE Select); 4 bases into the intron after coding-DNA position 652, C replaced by T.
Molecular consequence: intron variant.
Genome position (GRCh38, 1-based): chr19:1,622,309, G>A on the plus strand (C>T on the coding strand, the complement: TCF3 is on the minus strand). VCF-style: chr19-1622309-G-A. GRCh37 (hg19) VCF-style: chr19-1622308-G-A.
Other names: c.652+4C>T (NM_001351778.2, NM_001136139.4, NM_001351779.2).
Identifiers: ClinVar variation 4778208 (VCV004778208.2).